The following is an entry in ClinVar:

ClinVar aggregate classification (germline): Conflicting classifications of pathogenicity. Review status: criteria provided, conflicting classifications (1 of 4 stars). 2 submissions from 2 submitters: Uncertain significance (1); Likely benign (1). Last evaluated 2025-12-14.

Conditions:
Hereditary spastic paraplegia 11. Also called: Nakamura Osame syndrome; Autosomal recessive hereditary spastic paraplegia, mental impairment, and thin corpus callosum; Spastic paraplegia, mental retardation and thin corpus callosum; SPASTIC PARAPLEGIA, AUTOSOMAL RECESSIVE, COMPLICATED, WITH THIN CORPUS CALLOSUM; SPASTIC PARAPLEGIA, AUTOSOMAL RECESSIVE, WITH MENTAL IMPAIRMENT AND THIN CORPUS CALLOSUM; Spastic Paraplegia 11. Identifiers: Orphanet 2822, MedGen C1858479, MONDO:0011445, OMIM 604360.

gnomAD v4.1: 4 of 1,613,546 alleles (0.00025%); highest among the groups gnomAD compares: Non-Finnish European, 0.000085%; no homozygotes.

Submissions (2):

Mayo Clinic Laboratories, Mayo Clinic
Classification: Likely benign. Last evaluated: 2025-12-14. Review status: criteria provided, single submitter. Criteria: ACMG Guidelines, 2015. Collection method: clinical testing. Allele origin: germline. Observed: 1 variant allele.
Comment: BP4, BP7

Labcorp Genetics (formerly Invitae), Labcorp
Classification: Uncertain significance for Hereditary spastic paraplegia 11. Last evaluated: 2024-12-24. Review status: criteria provided, single submitter. Criteria: Invitae Variant Classification Sherloc (09022015). Collection method: clinical testing. Allele origin: germline.
Comment: This sequence change falls in intron 10 of the SPG11 gene. It does not directly change the encoded amino acid sequence of the SPG11 protein. It affects a nucleotide within the consensus splice site. This variant is not present in population databases (gnomAD no frequency). This variant has not been reported in the literature in individuals affected with SPG11-related conditions. Variants that disrupt the consensus splice site are a relatively common cause of aberrant splicing (PMID: 17576681, 9536098). Algorithms developed to predict the effect of sequence changes on RNA splicing suggest that this variant is not likely to affect RNA splicing. In summary, the available evidence is currently insufficient to determine the role of this variant in disease. Therefore, it has been classified as a Variant of Uncertain Significance.

Literature cited by the submitters: PubMed 17576681 (cited by Labcorp Genetics (formerly Invitae), Labcorp); PubMed 9536098 (cited by Labcorp Genetics (formerly Invitae), Labcorp).

NM_025137.4(SPG11):c.2068-3T>C

Gene: SPG11 (SPG11 vesicle trafficking associated, spatacsin; minus strand). Cytogenetic location: 15q21.1.
Variant type: single nucleotide variant.
Coding change: c.2068-3T>C on transcript NM_025137.4 (MANE Select); 3 bases into the intron before coding-DNA position 2068, T replaced by C.
Molecular consequence: intron variant.
Genome position (GRCh38, 1-based): chr15:44,626,510, A>G on the plus strand (T>C on the coding strand, the complement: SPG11 is on the minus strand). VCF-style: chr15-44626510-A-G. GRCh37 (hg19) VCF-style: chr15-44918708-A-G.
Other names: p.?; c.2068-3T>C (NM_001411132.1, NM_001160227.2).
Identifiers: ClinVar variation 3609868 (VCV003609868.2).
Genomic context (GRCh38, chr15:44,626,510, plus strand): 5'-TGAAGAAAGTCTGTGCCTCTGGTATTTTGTTGTTTAAAATGGCGCTGGCAATAACTTCCT[A>G]GGAAAAGAAAAACGTTTGCCTTTTAAGTTCTTTTTCATTTCCTTATTATGATTATCAACA-3'